The following is an entry in ClinVar:

ClinVar aggregate classification (germline): Likely pathogenic (1 of 4 stars; one submission).

Submission:

GeneDx
Classification: Likely pathogenic. Last evaluated: 2016-10-04. Review status: criteria provided, single submitter. Criteria: GeneDx Variant Classification (06012015). Collection method: clinical testing. Allele origin: germline. Affected: yes.
Comment: The c.3277+5G>A variant in the IQSEC2 gene has not been reported previously as a pathogenic variant nor as a benign variant, to our knowledge. This variant reduces the quality of the splice donor site of intron 12 and is expected to cause abnormal gene splicing resulting in an in-frame protein product with an abnormal message. The c.3277+5G>A variant was not observed in approximately 6500 individuals of European and African American ancestry in the NHLBI Exome Sequencing Project, indicating it is not a common benign variant in these populations. The c.3277+5G>A variant is a strong candidate for a pathogenic variant

NM_001111125.3(IQSEC2):c.3277+5G>A

Gene: IQSEC2 (IQ motif and Sec7 domain ArfGEF 2; minus strand). Cytogenetic location: Xp11.22.
Variant type: single nucleotide variant.
Coding change: c.3277+5G>A on transcript NM_001111125.3 (MANE Select); 5 bases into the intron after coding-DNA position 3277, G replaced by A.
Molecular consequence: intron variant.
Genome position (GRCh38, 1-based): chrX:53,238,140, C>T on the plus strand (G>A on the coding strand, the complement: IQSEC2 is on the minus strand). VCF-style: chrX-53238140-C-T. GRCh37 (hg19) VCF-style: chrX-53267322-C-T.
Other names: c.2662+5G>A (NM_015075.2).
Identifiers: ClinVar variation 422353 (VCV000422353.2), dbSNP rs1064795725, ClinGen allele CA16621442.